The following is an entry in ClinVar:

ClinVar aggregate classification (germline): Uncertain significance. Review status: criteria provided, multiple submitters, no conflicts (2 of 4 stars). 2 submissions from 2 submitters: Uncertain significance (2). Last evaluated 2022-11-22.

Conditions:
Infantile nephronophthisis (NPHP2). Also called: Nephronophthisis 2; Nephronophthisis 2, infantile. Identifiers: Orphanet 655, Orphanet 93591, MedGen C1865872, MONDO:0011190, OMIM 602088.
Nephronophthisis. Also called: Juvenile Nephronophthisis. Identifiers: Orphanet 655, MedGen C0687120, MONDO:0019005, HP:0000090.

Allele frequency attached by ClinVar (database versions not stated): TOPMed 0.00001.
gnomAD v4.1: 1 of 1,614,118 alleles (0.000062%); highest among the groups gnomAD compares: African/African-American, 0.0013%; no homozygotes.

Submissions (2):

Labcorp Genetics (formerly Invitae), Labcorp
Classification: Uncertain significance for Nephronophthisis. Last evaluated: 2022-11-22. Review status: criteria provided, single submitter. Criteria: Invitae Variant Classification Sherloc (09022015). Collection method: clinical testing. Allele origin: germline.
Comment: In summary, the available evidence is currently insufficient to determine the role of this variant in disease. Therefore, it has been classified as a Variant of Uncertain Significance. Algorithms developed to predict the effect of missense changes on protein structure and function (SIFT, PolyPhen-2, Align-GVGD) all suggest that this variant is likely to be tolerated. ClinVar contains an entry for this variant (Variation ID: 969953). This variant has not been reported in the literature in individuals affected with INVS-related conditions. This variant is present in population databases (no rsID available, gnomAD 0.007%). This sequence change replaces histidine, which is basic and polar, with leucine, which is neutral and non-polar, at codon 941 of the INVS protein (p.His941Leu).

Fulgent Genetics
Classification: Uncertain significance for Infantile nephronophthisis. Last evaluated: 2021-11-01. Review status: criteria provided, single submitter. Criteria: ACMG Guidelines, 2015. Collection method: clinical testing. Allele origin: unknown.

NM_014425.5(INVS):c.2822A>T (p.His941Leu)

Gene: INVS (inversin; plus strand). Cytogenetic location: 9q31.1.
Variant type: single nucleotide variant.
Coding change: c.2822A>T on transcript NM_014425.5 (MANE Select); coding-DNA position 2822, A replaced by T.
Protein change: p.His941Leu; replaces histidine 941 with leucine.
Molecular consequence: missense variant. On other transcripts: non-coding transcript variant (1).
Genome position (GRCh38, 1-based): chr9:100,296,952, A>T. VCF-style: chr9-100296952-A-T. GRCh37 (hg19) VCF-style: chr9-103059234-A-T.
Other names: c.2534A>T, p.His845Leu (NM_001318381.2); c.1844A>T, p.His615Leu (NM_001318382.2); short protein forms H615L, H845L, H941L.
Identifiers: ClinVar variation 969953 (VCV000969953.8), dbSNP rs886042226, ClinGen allele CA374245011.
Genomic context (GRCh38, chr9:100,296,952, plus strand): 5'-CTCTCCTCTCCTCTGACCCAACCAGCTACCAGCTCAGGAAGCACCTGTCCCACCTTCGGC[A>T]TATGAAGCAGCTTGGAGCTGGAGATGTGGACAGATGGAGGCAAGAGTCTACAGCATTGCT-3'
Protein context (NP_055240.2, residues 931-951): QLRKHLSHLR[His941Leu]MKQLGAGDVD